The following is an entry in ClinVar:

ClinVar aggregate classification (germline): Uncertain significance (1 of 4 stars; one submission).

Conditions:
Duchenne muscular dystrophy (DMD). Also called: Duchenne Muscular Dystrophy (DMD); MUSCULAR DYSTROPHY, PSEUDOHYPERTROPHIC PROGRESSIVE, DUCHENNE TYPE. Identifiers: Orphanet 98896, MedGen C0013264, MONDO:0010679, OMIM 310200.

Submission:

Labcorp Genetics (formerly Invitae), Labcorp
Classification: Uncertain significance for Duchenne muscular dystrophy. Last evaluated: 2019-06-11. Review status: criteria provided, single submitter. Criteria: Invitae Variant Classification Sherloc (09022015). Collection method: clinical testing. Allele origin: germline.
Comment: This variant results in a copy number gain of the genomic region encompassing exons 62-79 of the DMD gene. The 5' boundary is likely confined to intron 61. The 3' end of this event is unknown as it extends beyond the assayed region for this gene and therefore may encompass additional genes. As the precise location of this event is unknown, it may be in tandem or it may be located elsewhere in the genome. This variant has not been reported in the literature in individuals with DMD-related conditions. Experimental studies and prediction algorithms are not available or were not evaluated for this variant, and the functional significance of the affected amino acid(s) is currently unknown. In summary, the available evidence is currently insufficient to determine the role of this variant in disease. Therefore, it has been classified as a Variant of Uncertain Significance.

NC_000023.11:g.(?_31121823)_(31261664_?)dup

Gene: DMD (dystrophin; minus strand). Cytogenetic location: Xp21.2.
Variant type: Duplication.
Identifiers: ClinVar variation 833449 (VCV000833449.1).